The following is an entry in ClinVar:

NM_000264.5(PTCH1):c.3220A>G (p.Ile1074Val)

Gene: PTCH1 (patched 1; minus strand). Cytogenetic location: 9q22.32.
Variant type: single nucleotide variant.
Coding change: c.3220A>G on transcript NM_000264.5 (MANE Select); coding-DNA position 3220, A replaced by G.
Protein change: p.Ile1074Val; replaces isoleucine 1074 with valine.
Molecular consequence: missense variant. On other transcripts: non-coding transcript variant (1).
Genome position (GRCh38, 1-based): chr9:95,456,362, T>C on the plus strand (A>G on the coding strand, the complement: PTCH1 is on the minus strand). VCF-style: chr9-95456362-T-C. GRCh37 (hg19) VCF-style: chr9-98218644-T-C.
Other names: c.3022A>G, p.Ile1008Val (NM_001083602.3); c.3217A>G, p.Ile1073Val (NM_001083603.3); c.2767A>G, p.Ile923Val (NM_001083604.3, NM_001083605.3, NM_001083606.3 and 1 more transcripts); c.3064A>G, p.Ile1022Val (NM_001354918.2); short protein forms I1022V, I923V, I1008V, I1073V, I1074V.
Identifiers: ClinVar variation 655107 (VCV000655107.13), dbSNP rs745626835, ClinGen allele CA5138207.

ClinVar aggregate classification (germline): Conflicting classifications of pathogenicity. Review status: criteria provided, conflicting classifications (1 of 4 stars). 2 submissions from 2 submitters: Uncertain significance (1); Likely benign (1). Last evaluated 2026-01-06.

Conditions:
Hereditary cancer-predisposing syndrome. Also called: Neoplastic Syndromes, Hereditary; Hereditary neoplastic syndrome; Hereditary Cancer Syndrome; Tumor predisposition. Identifiers: Orphanet 140162, MedGen C0027672, MeSH D009386, MONDO:0015356.
Gorlin syndrome. Also called: Nevoid Basal Cell Carcinoma Syndrome; Basal cell nevus syndrome. Identifiers: Orphanet 377, MedGen C0004779, MONDO:0007187.

Allele frequency attached by ClinVar (database versions not stated): ExAC 0.00001; gnomAD 0.00001; gnomAD exomes 0.00001; TOPMed 0.00001.
gnomAD v4.1: 19 of 1,613,982 alleles (0.0012%); highest among the groups gnomAD compares: Admixed American, 0.005%; no homozygotes.

Submissions (2):

Labcorp Genetics (formerly Invitae), Labcorp
Classification: Likely benign for Gorlin syndrome. Last evaluated: 2026-01-06. Review status: criteria provided, single submitter. Criteria: Invitae Variant Classification Sherloc (09022015). Collection method: clinical testing. Allele origin: germline.

Ambry Genetics
Classification: Uncertain significance for Hereditary cancer-predisposing syndrome. Last evaluated: 2025-04-29. Review status: criteria provided, single submitter. Criteria: Ambry Variant Classification Scheme 2023. Collection method: clinical testing. Allele origin: germline.
Comment: The p.I1074V variant (also known as c.3220A>G), located in coding exon 19 of the PTCH1 gene, results from an A to G substitution at nucleotide position 3220. The isoleucine at codon 1074 is replaced by valine, an amino acid with highly similar properties. This amino acid position is well conserved in available vertebrate species. In addition, the in silico prediction for this alteration is inconclusive. Based on the available evidence, the clinical significance of this variant remains unclear.